The following is an entry in ClinVar:

NM_005559.4(LAMA1):c.6063C>T (p.Ser2021=)

Gene: LAMA1 (laminin subunit alpha 1; minus strand). Cytogenetic location: 18p11.31.
Variant type: single nucleotide variant.
Coding change: c.6063C>T on transcript NM_005559.4 (MANE Select); coding-DNA position 6063, C replaced by T.
Protein change: p.Ser2021=; no amino-acid change (serine 2021 retained).
Molecular consequence: synonymous variant.
Genome position (GRCh38, 1-based): chr18:6,978,323, G>A on the plus strand (C>T on the coding strand, the complement: LAMA1 is on the minus strand). VCF-style: chr18-6978323-G-A. GRCh37 (hg19) VCF-style: chr18-6978322-G-A.
Identifiers: ClinVar variation 1603064 (VCV001603064.31), dbSNP rs1367095104, ClinGen allele CA502473383.

ClinVar aggregate classification (germline): Likely benign. Review status: criteria provided, multiple submitters, no conflicts (2 of 4 stars). 2 submissions from 2 submitters: Likely benign (2). Last evaluated 2024-10-28.

Allele frequency attached by ClinVar (database versions not stated): gnomAD exomes below 0.00001 and 0.00004; TOPMed 0.00001.
gnomAD v4.1: 56 of 1,614,180 alleles (0.0035%); highest among the groups gnomAD compares: Non-Finnish European, 0.0045%; no homozygotes.

Submissions (2):

Labcorp Genetics (formerly Invitae), Labcorp
Classification: Likely benign. Last evaluated: 2024-10-28. Review status: criteria provided, single submitter. Criteria: Invitae Variant Classification Sherloc (09022015). Collection method: clinical testing. Allele origin: germline.

CeGaT Center for Human Genetics Tuebingen
Classification: Likely benign. Last evaluated: 2023-08-01. Review status: criteria provided, single submitter. Criteria: CeGaT Center For Human Genetics Tuebingen Variant Classification Criteria Version 2. Collection method: clinical testing. Allele origin: germline. Affected: yes. Observed: 1 variant allele.
Comment: LAMA1: BP4, BP7